The following is an entry in ClinVar:

NM_018834.6(MATR3):c.-178+210C>T

Gene: MATR3 (matrin 3; plus strand). Cytogenetic location: 5q31.2.
Variant type: single nucleotide variant.
Coding change: c.-178+210C>T on transcript NM_018834.6 (MANE Select); 210 bases into the intron after 178 bases upstream of the start codon, C replaced by T.
Molecular consequence: intron variant. On other transcripts: 5 prime UTR variant (6), missense variant (1).
Genome position (GRCh38, 1-based): chr5:139,294,015, C>T. VCF-style: chr5-139294015-C-T. GRCh37 (hg19) VCF-style: chr5-138629704-C-T.
Other names: c.-177-13224C>T (NM_001400453.1, NM_001400450.1, NM_001400441.1 and 5 more transcripts); c.12+17865C>T (NM_001400461.1); c.-103+440C>T (NM_001400465.1, NM_001400463.1); c.-178+1941C>T (NM_001400456.1); c.-191C>T (NM_001194955.2); c.35C>T, p.Ser12Phe (NM_001194956.2); c.-1160C>T (NM_001400445.1); c.-779C>T (NM_001400457.1); and 7 more; short protein forms S12F.
Identifiers: ClinVar variation 3358807 (VCV003358807.8).

ClinVar aggregate classification (germline): Likely benign. Review status: criteria provided, single submitter (1 of 4 stars). 2 submissions from 2 submitters: Likely benign (1). 1 of the submissions does not count toward it. Last evaluated 2025-09-01.

Conditions:
MATR3-related disorder. Also called: MATR3-related condition.

gnomAD v4.1: 22 of 1,287,848 alleles (0.0017%); highest among the groups gnomAD compares: Middle Eastern, 0.022%; no homozygotes.

Submissions (2):

CeGaT Center for Human Genetics Tuebingen
Classification: Likely benign. Last evaluated: 2025-09-01. Review status: criteria provided, single submitter. Criteria: CeGaT Center For Human Genetics Tuebingen Variant Classification Criteria Version 2. Collection method: clinical testing. Allele origin: germline. Affected: yes. Observed: 1 variant allele.
Comment: MATR3: BP4

PreventionGenetics, part of Exact Sciences
Classification: Uncertain significance for MATR3-related condition. Last evaluated: 2024-01-22. Review status: no assertion criteria provided. Collection method: clinical testing. Allele origin: germline. Not counted in ClinVar's aggregate classification.
Comment: The MATR3 c.35C>T variant is predicted to result in the amino acid substitution p.Ser12Phe. To our knowledge, this variant has not been reported in the literature or in a large population database, indicating this variant is rare. At this time, the clinical significance of this variant is uncertain due to the absence of conclusive functional and genetic evidence.